The following is an entry in ClinVar:

NM_001369.3(DNAH5):c.5851_5852del (p.Asp1951fs)

Gene: DNAH5 (dynein axonemal heavy chain 5; minus strand). Cytogenetic location: 5p15.2.
Variant type: Deletion.
Coding change: c.5851_5852del on transcript NM_001369.3 (MANE Select); coding-DNA positions 5851 to 5852, 2 bases deleted (GA; older notation c.5851_5852delGA).
Protein change: p.Asp1951fs; shifts the reading frame from aspartic acid 1951.
Molecular consequence: frameshift variant.
Genome position (GRCh38, 1-based): chr5:13,839,386-13,839,387, TC deleted on the plus strand (GA on the coding strand, the reverse complement: DNAH5 is on the minus strand). VCF-style (leftmost placement, unchanged base first): chr5-13839385-GTC-G. GRCh37 (hg19) VCF-style: chr5-13839494-GTC-G.
Other names: short protein forms D1951fs.
Identifiers: ClinVar variation 1726375 (VCV001726375.4), dbSNP rs2546902682, ClinGen allele CA2580072059.

ClinVar aggregate classification (germline): Pathogenic/Likely pathogenic. Review status: criteria provided, multiple submitters, no conflicts (2 of 4 stars). 2 submissions from 2 submitters: Pathogenic (1); Likely pathogenic (1). Last evaluated 2025-10-12.

Conditions:
Primary ciliary dyskinesia 3. Identifiers: Orphanet 244, MedGen C1837618, MONDO:0012085, OMIM 608644.

Submissions (2):

Victorian Clinical Genetics Services, Murdoch Childrens Research Institute
Classification: Pathogenic for Primary ciliary dyskinesia 3. Last evaluated: 2025-10-12. Review status: criteria provided, single submitter. Criteria: ACMG Guidelines, 2015. Collection method: clinical testing. Allele origin: germline. Affected: yes.
Comment: This variant is classified as Pathogenic. Evidence in support of pathogenic classification: Variant is predicted to cause nonsense-mediated decay (NMD) and loss of protein (premature termination codon is located at least 54 nucleotides upstream of the final exon-exon junction); Variant is absent from gnomAD (v2, v3 and v4); Other NMD-predicted variants comparable to the one identified in this case have very strong previous evidence for pathogenicity (DECIPHER). Additional information: This variant is homozygous; This gene is associated with autosomal recessive disease; Loss of function is a known mechanism of disease in this gene and is associated with ciliary dyskinesia, primary, 3, with or without situs inversus (MIM#608644).

Myriad Genetics, Inc.
Classification: Likely pathogenic for Primary ciliary dyskinesia 3. Last evaluated: 2021-12-16. Review status: criteria provided, single submitter. Criteria: Myriad Women's Health Autosomal Recessive and X-Linked Classification Criteria (2021). Collection method: clinical testing. Allele origin: unknown.
Comment: NM_001369.2(DNAH5):c.5851_5852delGA(D1951Qfs*40) is expected to be pathogenic in the context of DNAH5-related primary ciliary dyskinesia. This variant is predicted to lead to an abnormal or absent protein product due to the creation of a premature termination codon in DNAH5, a gene where loss-of-function variants are known to be pathogenic. Please note: this variant was assessed in the context of healthy population screening.